The following is an entry in ClinVar:

NM_000384.3(APOB):c.8882A>G (p.Asn2961Ser)

Gene: APOB (apolipoprotein B; minus strand). Cytogenetic location: 2p24.1.
Variant type: single nucleotide variant.
Coding change: c.8882A>G on transcript NM_000384.3 (MANE Select); coding-DNA position 8882, A replaced by G.
Protein change: p.Asn2961Ser; replaces asparagine 2961 with serine.
Molecular consequence: missense variant.
Genome position (GRCh38, 1-based): chr2:21,007,986, T>C on the plus strand (A>G on the coding strand, the complement: APOB is on the minus strand). VCF-style: chr2-21007986-T-C. GRCh37 (hg19) VCF-style: chr2-21230858-T-C.
Other names: short protein forms N2961S.
Identifiers: ClinVar variation 477822 (VCV000477822.24), dbSNP rs142756262, ClinGen allele CA066085.

ClinVar aggregate classification (germline): Conflicting classifications of pathogenicity. Review status: criteria provided, conflicting classifications (1 of 4 stars). 10 submissions from 10 submitters: Uncertain significance (7); Likely benign (3). Last evaluated 2025-08-29.

Conditions:
Familial hypercholesterolemia. Also called: Familial hypercholesterolemias; Familial hypercholesterolaemia. Identifiers: MedGen C0020445, MONDO:0005439.
Hypercholesterolemia, autosomal dominant, type B (FHCL2). Also called: Familial Hypercholesterolemia Type B; Hyperlipoproteinemia Type IIb; Familial hypercholesterolemia 2; APOB-Related Familial Hypercholesterolemia, Autosomal Dominant; HYPERCHOLESTEROLEMIA, FAMILIAL, DUE TO LIGAND-DEFECTIVE APOLIPOPROTEIN B; APOLIPOPROTEIN B-100, FAMILIAL DEFECTIVE. Identifiers: MedGen C1704417, MONDO:0007751, OMIM 144010.
Familial hypobetalipoproteinemia 1. Also called: Hypobetalipoproteinemia, normotriglyceridemic; Acanthocytosis with hypobetalipoproteinemia; APOB-Related Familial Hypobetalipoproteinemia. Identifiers: MedGen C4551990, MONDO:0014252, OMIM 615558.
Cardiovascular phenotype. Identifiers: MedGen CN230736.

Allele frequency attached by ClinVar (database versions not stated): gnomAD 0.00016; 1000 Genomes Project 0.00020; TOPMed 0.00011; ESP Exome Variant Server 0.00015; 1000 Genomes Project 30x 0.00016.
gnomAD v4.1: 310 of 1,614,096 alleles (0.019%); highest among the groups gnomAD compares: Non-Finnish European, 0.025%; no homozygotes.

Submissions (10):

Labcorp Genetics (formerly Invitae), Labcorp
Classification: Likely benign for Familial hypobetalipoproteinemia 1; Hypercholesterolemia, autosomal dominant, type B. Last evaluated: 2025-08-29. Review status: criteria provided, single submitter. Criteria: Invitae Variant Classification Sherloc (09022015). Collection method: clinical testing. Allele origin: germline.

GeneDx
Classification: Uncertain significance. Last evaluated: 2025-08-14. Review status: criteria provided, single submitter. Criteria: GeneDx Variant Classification Process June 2021. Collection method: clinical testing. Allele origin: germline. Affected: yes.
Comment: In silico analysis supports that this missense variant has a deleterious effect on protein structure/function; Reported in association with familial hypercholesterolemia (FH) and myocardial infarction in published literature (PMID: 35913489, 22923420, 31153816); This variant is associated with the following publications: (PMID: 35913489, 22923420, 31153816, 37937776)

Molecular Diagnostic Laboratory for Inherited Cardiovascular Disease, Montreal Heart Institute
Classification: Uncertain significance for Cardiovascular phenotype. Last evaluated: 2025-04-09. Review status: criteria provided, single submitter. Criteria: ACMG Guidelines, 2015. Collection method: clinical testing. Allele origin: germline. Affected: yes.

Cambridge Genomics Laboratory, East Genomic Laboratory Hub, NHS Genomic Medicine Service
Classification: Likely benign for Familial hypercholesterolaemia. Last evaluated: 2024-06-06. Review status: criteria provided, single submitter. Criteria: ACGS Best Practice Guidelines for Variant Classification in Rare Disease 2020. Collection method: clinical testing. Allele origin: germline. Affected: yes.
Comment: The p.Asn2961Ser missense variant is predicted to be tolerated by both SIFT or PolyPhen2. (BP4 - Supporting)

Quest Diagnostics Nichols Institute San Juan Capistrano
Classification: Uncertain significance. Last evaluated: 2024-01-04. Review status: criteria provided, single submitter. Criteria: Quest Diagnostics criteria. Collection method: clinical testing. Allele origin: unknown.
Comment: The APOB c.8882A>G (p.Asn2961Ser) variant has been reported in the published literature in individuals with familial hypercholesterolemia (PMID: 35913489 (2022), 31153816 (2019)). The frequency of this variant in the general population, 0.00026 (13/50712 chromosomes (Genome Aggregation Database)), is uninformative in the assessment of its pathogenicity. Analysis of this variant using bioinformatics tools for the prediction of the effect of amino acid changes on protein structure and function yielded predictions that this variant is benign. Based on the available information, we are unable to determine the clinical significance of this variant.

Revvity Omics, Revvity
Classification: Uncertain significance. Last evaluated: 2023-12-01. Review status: criteria provided, single submitter. Criteria: ACMG Guidelines, 2015. Collection method: clinical testing. Allele origin: germline.

Ambry Genetics
Classification: Uncertain significance for Cardiovascular phenotype. Last evaluated: 2023-06-21. Review status: criteria provided, single submitter. Criteria: Ambry Variant Classification Scheme 2023. Collection method: clinical testing. Allele origin: germline.
Comment: The p.N2961S variant (also known as c.8882A>G), located in coding exon 26 of the APOB gene, results from an A to G substitution at nucleotide position 8882. The asparagine at codon 2961 is replaced by serine, an amino acid with highly similar properties. This alteration has been noted in hypercholesterolemia cohorts and has been reported in combination with other cardiac-related genes (Beaudoin M et al. Circ Cardiovasc Genet, 2012 Oct;5:547-54; S&aacute;nchez-Hern&aacute;ndez RM et al. J Clin Lipidol, 2019 May;13:618-626; Sustar U et al. Genet Med, 2022 Oct;24:2103-2111). This amino acid position is not well conserved in available vertebrate species, and serine is the reference amino acid in other vertebrate species. In addition, this alteration is predicted to be tolerated by in silico analysis. Since supporting evidence is limited at this time, the clinical significance of this alteration remains unclear.

Blueprint Genetics
Classification: Likely benign. Last evaluated: 2023-04-25. Review status: criteria provided, single submitter. Criteria: ACMG Guidelines, 2015. Collection method: clinical testing. Allele origin: germline.

Fulgent Genetics
Classification: Uncertain significance for Hypercholesterolemia, autosomal dominant, type B; Familial hypobetalipoproteinemia 1. Last evaluated: 2021-09-01. Review status: criteria provided, single submitter. Criteria: ACMG Guidelines, 2015. Collection method: clinical testing. Allele origin: unknown.

New York Genome Center
Classification: Uncertain significance for Hypercholesterolemia, autosomal dominant, type B; Familial hypobetalipoproteinemia 1. Last evaluated: 2021-06-11. Review status: criteria provided, single submitter. Criteria: NYGC Assertion Criteria 2020. Collection method: clinical testing. Allele origin: germline. Observed: 1 heterozygote.

Literature cited by the submitters: PubMed 35913489 (cited by Quest Diagnostics Nichols Institute San Juan Capistrano and Ambry Genetics); PubMed 31153816 (cited by Quest Diagnostics Nichols Institute San Juan Capistrano and Ambry Genetics); PubMed 22923420 (cited by Ambry Genetics).